The following is an entry in ClinVar:

ClinVar aggregate classification (germline): Benign (1 of 4 stars; one submission).

Conditions:
Episodic ataxia type 6. Identifiers: Orphanet 209967, MedGen C2675211, MONDO:0012982, OMIM 612656.

Allele frequency attached by ClinVar (database versions not stated): gnomAD 0.00560 and 0.00597; TOPMed 0.00635; 1000 Genomes Project 0.00839; 1000 Genomes Project 30x 0.00906.

Submission:

Illumina Laboratory Services, Illumina
Classification: Benign for Episodic ataxia type 6. Last evaluated: 2018-01-12. Review status: criteria provided, single submitter. Criteria: ICSL Variant Classification Criteria 13 December 2019. Collection method: clinical testing. Allele origin: germline.
Comment: This variant was observed in the ICSL laboratory as part of a predisposition screen in an ostensibly healthy population. It had not been previously curated by ICSL or reported in the Human Gene Mutation Database (HGMD: prior to June 1st, 2018), and was therefore a candidate for classification through an automated scoring system. Utilizing variant allele frequency, disease prevalence and penetrance estimates, and inheritance mode, an automated score was calculated to assess if this variant is too frequent to cause the disease. Based on the score and internal cut-off values, a variant classified as benign is not then subjected to further curation. The score for this variant resulted in a classification of benign for this disease.

NM_004172.5(SLC1A3):c.*1353A>G

Genes: SLC1A3-AS1 (SLC1A3 antisense RNA 1; minus strand), SLC1A3 (solute carrier family 1 member 3; plus strand). Cytogenetic location: 5p13.2.
Variant type: single nucleotide variant.
Coding change: c.*1353A>G on transcript NM_004172.5 (MANE Select); 1353 bases downstream of the stop codon, A replaced by G.
Molecular consequence: 3 prime UTR variant.
Genome position (GRCh38, 1-based): chr5:36,687,622, A>G. VCF-style: chr5-36687622-A-G. GRCh37 (hg19) VCF-style: chr5-36687724-A-G.
Other names: c.*1353A>G (NM_001166695.3, NM_001289939.2, NM_001289940.2).
Identifiers: ClinVar variation 353351 (VCV000353351.5), dbSNP rs111227646, ClinGen allele CA10624567.
Genomic context (GRCh38, chr5:36,687,622, plus strand): 5'-AGTGGGTATTTCTTATTTGAAAGTGTTTTTCTTTAATCAAAAGTCCTTAGAATGAGGGAA[A>G]CAAAATATTTATTTGTTTTGGAATCCCACTTATCAAATCATTCAAAACTTTCAGCTGGAG-3'